The following is an entry in ClinVar:

ClinVar aggregate classification (germline): Uncertain significance (1 of 4 stars; one submission).

Submission:

Labcorp Genetics (formerly Invitae), Labcorp
Classification: Uncertain significance. Last evaluated: 2022-09-01. Review status: criteria provided, single submitter. Criteria: Invitae Variant Classification Sherloc (09022015). Collection method: clinical testing. Allele origin: germline.
Comment: In summary, the available evidence is currently insufficient to determine the role of this variant in disease. Therefore, it has been classified as a Variant of Uncertain Significance. Algorithms developed to predict the effect of sequence changes on RNA splicing suggest that this variant may disrupt the consensus splice site. Experimental studies and prediction algorithms are not available or were not evaluated, and the functional significance of this variant is currently unknown. This variant has not been reported in the literature in individuals affected with TNNI3K-related conditions. This variant is not present in population databases (gnomAD no frequency). This variant, c.2013_2033del, results in the deletion of 7 amino acid(s) of the TNNI3K protein (p.Ala672_Ala678del), but otherwise preserves the integrity of the reading frame.

NC_000001.11:g.74463442_74463462del

Genes: FPGT-TNNI3K (FPGT-TNNI3K readthrough; plus strand), TNNI3K (TNNI3 interacting kinase; plus strand). Cytogenetic location: 1p31.1.
Variant type: Deletion.
Genome position: GRCh38 VCF-style: chr1-74463439-AGCGGCTGCGGCAGCAGACATG-A. GRCh37 (hg19) VCF-style: chr1-74929123-AGCGGCTGCGGCAGCAGACATG-A.
Identifiers: ClinVar variation 2060347 (VCV002060347.5), dbSNP rs1667534917, ClinGen allele CA1176175475.